The following is an entry in ClinVar:

ClinVar aggregate classification (germline): Uncertain significance (1 of 4 stars; one submission).

Allele frequency attached by ClinVar (database versions not stated): ExAC 0.00002; gnomAD exomes 0.00004 and 0.00008; TOPMed 0.00004; gnomAD 0.00005.
gnomAD v4.1: 121 of 1,613,186 alleles (0.0075%); highest among the groups gnomAD compares: Non-Finnish European, 0.0096%; no homozygotes.

Submission:

GeneDx
Classification: Uncertain significance. Last evaluated: 2014-06-25. Review status: criteria provided, single submitter. Criteria: GeneDx Variant Classification (06012015). Collection method: clinical testing. Allele origin: germline. Affected: yes.
Comment: Missense variants in the TTN gene are considered 'unclassified' if they are not previously reported in the literature and do not have >1% frequency in the population to be considered a polymorphism. Research indicates that truncating mutations in the TTN gene are expected to account for approximately 25% of familial and 18% of sporadic idiopathic DCM; however, truncating variants in the TTN gene have been reported in approximately 3% of reported control alleles. There has been little investigation into non-truncating variants. (Herman D et al. Truncations of titin causing dilated cardiomyopathy. N Eng J Med 366:619-628, 2012) The variant is found in CARDIOMYOPATHY panel(s).

NM_133379.5(TTN):c.15724A>G (p.Ile5242Val)

Gene: TTN (titin; minus strand). Cytogenetic location: 2q31.2.
Variant type: single nucleotide variant.
Coding change: c.15724A>G on transcript NM_133379.5; coding-DNA position 15724, A replaced by G.
Protein change: p.Ile5242Val; replaces isoleucine 5242 with valine.
Molecular consequence: missense variant. On other transcripts: intron variant (6).
Genome position (GRCh38, 1-based): chr2:178,746,676, T>C on the plus strand (A>G on the coding strand, the complement: TTN is on the minus strand). VCF-style: chr2-178746676-T-C. GRCh37 (hg19) VCF-style: chr2-179611403-T-C.
Other names: p.I5242V:ATT>GTT; c.10223-4755A>G (NM_003319.4); c.10799-4755A>G (NM_133437.4); c.10598-4755A>G (NM_133432.3); c.10360+6448A>G (NM_133378.4); c.10361-4755A>G (NM_001256850.1); c.11312-4755A>G (NM_001267550.2); short protein forms I5242V.
Identifiers: ClinVar variation 203211 (VCV000203211.2), dbSNP rs757789476, ClinGen allele CA311692.